The following is an entry in ClinVar:

NM_024548.4(CEP97):c.2017G>T (p.Glu673Ter)

Gene: CEP97 (centrosomal protein 97; plus strand). Cytogenetic location: 3q12.3.
Variant type: single nucleotide variant.
Coding change: c.2017G>T on transcript NM_024548.4 (MANE Select); coding-DNA position 2017, G replaced by T.
Protein change: p.Glu673Ter; replaces glutamic acid 673 with a stop codon.
Molecular consequence: nonsense.
Genome position (GRCh38, 1-based): chr3:101,764,970, G>T. VCF-style: chr3-101764970-G-T. GRCh37 (hg19) VCF-style: chr3-101483814-G-T.
Other names: c.1840G>T, p.Glu614Ter (NM_001303401.2); c.1915G>T, p.Glu639Ter (NM_001410784.1); c.1738G>T, p.Glu580Ter (NM_001410785.1); short protein forms E580*, E639*, E673*, E614*.
Identifiers: ClinVar variation 1999019 (VCV001999019.4), dbSNP rs2545852704, ClinGen allele CA353881142.

ClinVar aggregate classification (germline): Uncertain significance (1 of 4 stars; one submission).

Submission:

Labcorp Genetics (formerly Invitae), Labcorp
Classification: Uncertain significance. Last evaluated: 2022-11-01. Review status: criteria provided, single submitter. Criteria: Invitae Variant Classification Sherloc (09022015). Collection method: clinical testing. Allele origin: germline.
Comment: This sequence change creates a premature translational stop signal (p.Glu673*) in the CEP97 gene. While this is not anticipated to result in nonsense mediated decay, it is expected to disrupt the last 193 amino acid(s) of the CEP97 protein. This variant is not present in population databases (gnomAD no frequency). This variant has not been reported in the literature in individuals affected with CEP97-related conditions. In summary, the available evidence is currently insufficient to determine the role of this variant in disease. Therefore, it has been classified as a Variant of Uncertain Significance.